The following is an entry in ClinVar:

ClinVar aggregate classification (germline): Conflicting classifications of pathogenicity. Review status: criteria provided, conflicting classifications (1 of 4 stars). 2 submissions from 2 submitters: Uncertain significance (1); Likely benign (1). Last evaluated 2025-11-05.

Conditions:
Inborn genetic diseases. Identifiers: MedGen C0950123, MeSH D030342.

gnomAD v4.1: 9 of 1,612,344 alleles (0.00056%); highest among the groups gnomAD compares: African/African-American, 0.0093%; no homozygotes.

Submissions (2):

Ambry Genetics
Classification: Uncertain significance for Inborn genetic diseases. Last evaluated: 2025-11-05. Review status: criteria provided, single submitter. Criteria: Ambry Variant Classification Scheme 2023. Collection method: clinical testing. Allele origin: germline.

CeGaT Center for Human Genetics Tuebingen
Classification: Likely benign. Last evaluated: 2025-10-01. Review status: criteria provided, single submitter. Criteria: CeGaT Center For Human Genetics Tuebingen Variant Classification Criteria Version 2. Collection method: clinical testing. Allele origin: germline. Affected: yes. Observed: 1 variant allele.
Comment: RAP1B: BS2

NM_001010942.3(RAP1B):c.533A>G (p.Lys178Arg)

Gene: RAP1B (RAP1B, member of RAS oncogene family; plus strand). Cytogenetic location: 12q15.
Variant type: single nucleotide variant.
Coding change: c.533A>G on transcript NM_001010942.3 (MANE Select); coding-DNA position 533, A replaced by G.
Protein change: p.Lys178Arg; replaces lysine 178 with arginine.
Molecular consequence: missense variant.
Genome position (GRCh38, 1-based): chr12:68,657,165, A>G. VCF-style: chr12-68657165-A-G. GRCh37 (hg19) VCF-style: chr12-69050945-A-G.
Other names: c.407A>G, p.Lys136Arg (NM_001251917.2, NM_001251918.2); c.476A>G, p.Lys159Arg (NM_001251921.2); c.392A>G, p.Lys131Arg (NM_001251922.2); c.533A>G, p.Lys178Arg (NM_015646.6); c.533A>G (NM_015646.4); short protein forms K131R, K136R, K159R, K178R.
Identifiers: ClinVar variation 4534614 (VCV004534614.6).
Genomic context (GRCh38, chr12:68,657,165, plus strand): 5'-TTTATGACCTAGTGCGGCAAATTAACAGAAAAACTCCAGTGCCTGGGAAGGCTCGCAAAA[A>G]GTCATCATGTCAGCTGCTTTAATATACTAAATGCATTGTAGCTCTGAGCCAGGTATGTTC-3'
Protein context (NP_001010942.1, residues 168-184): KTPVPGKARK[Lys178Arg]SSCQLL